The following is an entry in ClinVar:

ClinVar aggregate classification (germline): Uncertain significance. Review status: criteria provided, multiple submitters, no conflicts (2 of 4 stars). 3 submissions from 3 submitters: Uncertain significance (3). Last evaluated 2026-08-28.

Conditions:
Inborn genetic diseases. Identifiers: MedGen C0950123, MeSH D030342.

Submissions (3):

Ambry Genetics
Classification: Uncertain significance for Inborn genetic diseases. Last evaluated: 2026-08-28. Review status: criteria provided, single submitter. Criteria: Ambry Variant Classification Scheme 2023. Collection method: clinical testing. Allele origin: germline.
Comment: The c.848G>A (p.R283K) alteration is located in exon 5 (coding exon 4) of the USH2A gene. This alteration results from a G to A substitution at nucleotide position 848, causing the arginine (R) at amino acid position 283 to be replaced by a lysine (K). This variant was not reported in population-based cohorts in the Genome Aggregation Database (gnomAD). This amino acid position is highly conserved in available vertebrate species. The in silico prediction for this alteration is inconclusive. Based on insufficient or conflicting evidence, the clinical significance of this alteration remains unclear.

Labcorp Genetics (formerly Invitae), Labcorp
Classification: Uncertain significance. Last evaluated: 2025-11-24. Review status: criteria provided, single submitter. Criteria: Invitae Variant Classification Sherloc (09022015). Collection method: clinical testing. Allele origin: germline.
Comment: This sequence change replaces arginine, which is basic and polar, with lysine, which is basic and polar, at codon 283 of the USH2A protein (p.Arg283Lys). This variant also falls at the last nucleotide of exon 5, which is part of the consensus splice site for this exon. This variant is not present in population databases (gnomAD no frequency). This variant has not been reported in the literature in individuals affected with USH2A-related conditions. An algorithm developed to predict the effect of missense changes on protein structure and function (PolyPhen-2) suggests that this variant is likely to be disruptive. Variants that disrupt the consensus splice site are a relatively common cause of aberrant splicing (PMID: 17576681, 9536098). In summary, the available evidence is currently insufficient to determine the role of this variant in disease. Therefore, it has been classified as a Variant of Uncertain Significance.

Blueprint Genetics
Classification: Uncertain significance. Last evaluated: 2022-11-18. Review status: criteria provided, single submitter. Criteria: ACMG Guidelines, 2015. Collection method: clinical testing. Allele origin: germline.

Literature cited by the submitters: PubMed 17576681 (cited by Labcorp Genetics (formerly Invitae), Labcorp); PubMed 9536098 (cited by Labcorp Genetics (formerly Invitae), Labcorp).

NM_206933.4(USH2A):c.848G>A (p.Arg283Lys)

Gene: USH2A (usherin; minus strand). Cytogenetic location: 1q41.
Variant type: single nucleotide variant.
Coding change: c.848G>A on transcript NM_206933.4 (MANE Select); coding-DNA position 848, G replaced by A.
Protein change: p.Arg283Lys; replaces arginine 283 with lysine.
Molecular consequence: missense variant.
Genome position (GRCh38, 1-based): chr1:216,327,591, C>T on the plus strand (G>A on the coding strand, the complement: USH2A is on the minus strand). VCF-style: chr1-216327591-C-T. GRCh37 (hg19) VCF-style: chr1-216500933-C-T.
Other names: c.848G>A, p.Arg283Lys (NM_007123.6); c.848G>A (NM_206933.2); short protein forms R283K.
Identifiers: ClinVar variation 4773178 (VCV004773178.3).